The following is an entry in ClinVar:

ClinVar aggregate classification (germline): Likely pathogenic. Review status: criteria provided, multiple submitters, no conflicts (2 of 4 stars). 2 submissions from 2 submitters: Likely pathogenic (2). Last evaluated 2022-11-23.

Conditions:
PDE6C-related disorder. Also called: PDE6C-related condition.

Submissions (2):

Labcorp Genetics (formerly Invitae), Labcorp
Classification: Likely pathogenic. Last evaluated: 2022-11-23. Review status: criteria provided, single submitter. Criteria: Invitae Variant Classification Sherloc (09022015). Collection method: clinical testing. Allele origin: germline.
Comment: In summary, the currently available evidence indicates that the variant is pathogenic, but additional data are needed to prove that conclusively. Therefore, this variant has been classified as Likely Pathogenic. Algorithms developed to predict the effect of sequence changes on RNA splicing suggest that this variant may disrupt the consensus splice site. ClinVar contains an entry for this variant (Variation ID: 867146). This variant has not been reported in the literature in individuals affected with PDE6C-related conditions. This variant is not present in population databases (gnomAD no frequency). This sequence change affects an acceptor splice site in intron 1 of the PDE6C gene. It is expected to disrupt RNA splicing. Variants that disrupt the donor or acceptor splice site typically lead to a loss of protein function (PMID: 16199547), and loss-of-function variants in PDE6C are known to be pathogenic (PMID: 19887631, 23776498, 26103963, 30080950).

Blueprint Genetics
Classification: Likely pathogenic for PDE6C-related disorders. Last evaluated: 2019-04-24. Review status: criteria provided, single submitter. Criteria: ACMG Guidelines, 2015. Collection method: clinical testing. Allele origin: germline. Affected: yes. Observed: 1 variant allele.

Literature cited by the submitters: PubMed 16199547 (cited by Labcorp Genetics (formerly Invitae), Labcorp); PubMed 19887631 (cited by Labcorp Genetics (formerly Invitae), Labcorp); PubMed 23776498 (cited by Labcorp Genetics (formerly Invitae), Labcorp); PubMed 26103963 (cited by Labcorp Genetics (formerly Invitae), Labcorp); PubMed 30080950 (cited by Labcorp Genetics (formerly Invitae), Labcorp).

NM_006204.4(PDE6C):c.481-1G>A

Gene: PDE6C (phosphodiesterase 6C; plus strand). Cytogenetic location: 10q23.33.
Variant type: single nucleotide variant.
Coding change: c.481-1G>A on transcript NM_006204.4 (MANE Select); the canonical splice acceptor site of the intron before coding-DNA position 481, G replaced by A.
Molecular consequence: splice acceptor variant.
Genome position (GRCh38, 1-based): chr10:93,620,631, G>A. VCF-style: chr10-93620631-G-A. GRCh37 (hg19) VCF-style: chr10-95380388-G-A.
Identifiers: ClinVar variation 867146 (VCV000867146.5), dbSNP rs2058440863, ClinGen allele CA377625902.